The following is an entry in ClinVar:

NM_006186.4(NR4A2):c.1287C>T (p.Asp429=)

Gene: NR4A2 (nuclear receptor subfamily 4 group A member 2; minus strand). Cytogenetic location: 2q24.1.
Variant type: single nucleotide variant.
Coding change: c.1287C>T on transcript NM_006186.4 (MANE Select); coding-DNA position 1287, C replaced by T.
Protein change: p.Asp429=; no amino-acid change (aspartic acid 429 retained).
Molecular consequence: synonymous variant.
Genome position (GRCh38, 1-based): chr2:156,326,792, G>A on the plus strand (C>T on the coding strand, the complement: NR4A2 is on the minus strand). VCF-style: chr2-156326792-G-A. GRCh37 (hg19) VCF-style: chr2-157183304-G-A.
Other names: c.1098C>T, p.Asp366= (NM_173173.3).
Identifiers: ClinVar variation 2651441 (VCV002651441.24), dbSNP rs756153061, ClinGen allele CA1916257.

ClinVar aggregate classification (germline): Likely benign (1 of 4 stars; one submission).

Allele frequency attached by ClinVar (database versions not stated): ExAC 0.00001.

Submission:

CeGaT Center for Human Genetics Tuebingen
Classification: Likely benign. Last evaluated: 2025-08-01. Review status: criteria provided, single submitter. Criteria: CeGaT Center For Human Genetics Tuebingen Variant Classification Criteria Version 2. Collection method: clinical testing. Allele origin: germline. Affected: yes. Observed: 2 variant alleles.
Comment: NR4A2: BP4, BP7